The following is an entry in ClinVar:

NM_014946.4(SPAST):c.1340T>C (p.Leu447Ser)

Gene: SPAST (spastin; plus strand). Cytogenetic location: 2p22.3.
Variant type: single nucleotide variant.
Coding change: c.1340T>C on transcript NM_014946.4 (MANE Select); coding-DNA position 1340, T replaced by C.
Protein change: p.Leu447Ser; replaces leucine 447 with serine.
Molecular consequence: missense variant.
Genome position (GRCh38, 1-based): chr2:32,136,895, T>C. VCF-style: chr2-32136895-T-C. GRCh37 (hg19) VCF-style: chr2-32361964-T-C.
Other names: c.1337T>C, p.Leu446Ser (NM_001363823.2); c.1241T>C, p.Leu414Ser (NM_001363875.2); c.1244T>C, p.Leu415Ser (NM_001377959.1, NM_199436.2); short protein forms L414S, L415S, L446S, L447S.
Identifiers: ClinVar variation 989174 (VCV000989174.13), dbSNP rs2148753950, ClinGen allele CA346502198.

ClinVar aggregate classification (germline): Conflicting classifications of pathogenicity. Review status: criteria provided, conflicting classifications (1 of 4 stars). 3 submissions from 3 submitters: Pathogenic (1); Uncertain significance (2). Last evaluated 2022-01-03.

Conditions:
Hereditary spastic paraplegia 4. Also called: Spastic paraplegia 4, autosomal dominant; Spastic Paraplegia 4; Familial spastic paraplegia autosomal dominant 2. Identifiers: Orphanet 100985, MedGen C1866855, MONDO:0008438, OMIM 182601.

Submissions (3):

3billion
Classification: Uncertain significance for Hereditary spastic paraplegia 4. Last evaluated: 2022-01-03. Review status: criteria provided, single submitter. Criteria: ACMG Guidelines, 2015. Collection method: clinical testing. Allele origin: germline. Affected: yes. Observed: 1 heterozygote.
Comment: Same nucleotide change resulting in same amino acid change has been previously reported to be associated with SPAST related disorder (ClinVar ID: VCV000989174, PS1_P). A different missense change at the same codon has been reported to be associated with SPAST related disorder (PMID:18701882, PM5_P). In silico tool predictions suggest damaging effect of the variant on gene or gene product (REVEL: 0.879, 3CNET: 0.978, PP3_P). It is not observed in the gnomAD v2.1.1 dataset (PM2_M). Therefore, this variant is classified as uncertain significance according to the recommendation of ACMG/AMP guideline.

Labcorp Genetics (formerly Invitae), Labcorp
Classification: Uncertain significance for Hereditary spastic paraplegia 4. Last evaluated: 2020-02-04. Review status: criteria provided, single submitter. Criteria: Invitae Variant Classification Sherloc (09022015). Collection method: clinical testing. Allele origin: germline.
Comment: This sequence change replaces leucine with serine at codon 447 of the SPAST protein (p.Leu447Ser). The leucine residue is highly conserved and there is a large physicochemical difference between leucine and serine. This variant is not present in population databases (ExAC no frequency). In summary, the available evidence is currently insufficient to determine the role of this variant in disease. Therefore, it has been classified as a Variant of Uncertain Significance. This variant disrupts the p.Leu447 amino acid residue in SPAST. Other variant(s) that disrupt this residue have been observed in individuals with SPAST-related conditions (PMID: 18701882), which suggests that this may be a clinically significant amino acid residue. Algorithms developed to predict the effect of missense changes on protein structure and function (SIFT, PolyPhen-2, Align-GVGD) all suggest that this variant is likely to be disruptive, but these predictions have not been confirmed by published functional studies and their clinical significance is uncertain. This variant has been observed in individual(s) with hereditary spastic paraplegia (Invitae).

Paris Brain Institute, Inserm - ICM
Classification: Pathogenic for Hereditary spastic paraplegia 4. Review status: criteria provided, single submitter. Criteria: ACMG Guidelines, 2015. Collection method: clinical testing. Allele origin: unknown. Affected: yes. Observed: 1 variant allele.

Literature cited by the submitters: PubMed 18701882 (cited by 3billion and Labcorp Genetics (formerly Invitae), Labcorp).